The following is an entry in ClinVar:

ClinVar aggregate classification (germline): Uncertain significance. Review status: criteria provided, multiple submitters, no conflicts (2 of 4 stars). 2 submissions from 2 submitters: Uncertain significance (2). Last evaluated 2024-12-03.

Conditions:
Inborn genetic diseases. Identifiers: MedGen C0950123, MeSH D030342.

Allele frequency attached by ClinVar (database versions not stated): ExAC 0.00002; gnomAD exomes 0.00002; gnomAD 0.00005 and 0.00006; TOPMed 0.00005; ESP Exome Variant Server 0.00008.
gnomAD v4.1: 23 of 1,613,206 alleles (0.0014%); highest among the groups gnomAD compares: African/African-American, 0.004%; no homozygotes.

Submissions (2):

Ambry Genetics
Classification: Uncertain significance for Inborn genetic diseases. Last evaluated: 2024-12-03. Review status: criteria provided, single submitter. Criteria: Ambry Variant Classification Scheme 2023. Collection method: clinical testing. Allele origin: germline.

Labcorp Genetics (formerly Invitae), Labcorp
Classification: Uncertain significance. Last evaluated: 2022-10-13. Review status: criteria provided, single submitter. Criteria: Invitae Variant Classification Sherloc (09022015). Collection method: clinical testing. Allele origin: germline.
Comment: This sequence change replaces phenylalanine, which is neutral and non-polar, with tyrosine, which is neutral and polar, at codon 151 of the USB1 protein (p.Phe151Tyr). This variant is present in population databases (rs375204675, gnomAD 0.006%). This variant has not been reported in the literature in individuals affected with USB1-related conditions. ClinVar contains an entry for this variant (Variation ID: 1040045). Algorithms developed to predict the effect of missense changes on protein structure and function are either unavailable or do not agree on the potential impact of this missense change (SIFT: "Not Available"; PolyPhen-2: "Probably Damaging"; Align-GVGD: "Not Available"). In summary, the available evidence is currently insufficient to determine the role of this variant in disease. Therefore, it has been classified as a Variant of Uncertain Significance.

NM_024598.4(USB1):c.452T>A (p.Phe151Tyr)

Gene: USB1 (U6 snRNA biogenesis phosphodiesterase 1; plus strand). Cytogenetic location: 16q21.
Variant type: single nucleotide variant.
Coding change: c.452T>A on transcript NM_024598.4 (MANE Select); coding-DNA position 452, T replaced by A.
Protein change: p.Phe151Tyr; replaces phenylalanine 151 with tyrosine.
Molecular consequence: missense variant. On other transcripts: intron variant (1).
Genome position (GRCh38, 1-based): chr16:58,014,275, T>A. VCF-style: chr16-58014275-T-A. GRCh37 (hg19) VCF-style: chr16-58048179-T-A.
Other names: c.299T>A, p.Phe100Tyr (NM_001330568.2); c.450-3059T>A (NM_001195302.2); c.452T>A (NM_024598.3); short protein forms F100Y, F151Y.
Identifiers: ClinVar variation 1040045 (VCV001040045.7), dbSNP rs375204675, ClinGen allele CA8084940.